The following is an entry in ClinVar:

ClinVar aggregate classification (germline): Pathogenic. Review status: criteria provided, single submitter (1 of 4 stars). 4 submissions from 4 submitters: Pathogenic (1). 3 of the submissions do not count toward it. Last evaluated 2024-05-27.

Conditions:
Retinal dystrophy. Also called: Inherited retinal dystrophy. Identifiers: Orphanet 71862, MedGen C0854723, MeSH D058499, MONDO:0019118, HP:0000556.
Retinitis pigmentosa (RP). Identifiers: Orphanet 791, MedGen C0035334, MeSH D012174, MONDO:0019200, OMIM 268000. Inheritance: Autosomal dominant, autosomal recessive and X linked inheritance.
Retinitis pigmentosa 41 (RP41). Also called: RETINAL DEGENERATION, AUTOSOMAL RECESSIVE, PROMININ-RELATED. Identifiers: Orphanet 791, MedGen C2677516, MONDO:0012796, OMIM 612095.

Allele frequency attached by ClinVar (database versions not stated): gnomAD exomes below 0.00001 and 0.00001; ExAC 0.00001.
gnomAD v4.1: 10 of 1,613,976 alleles (0.00062%); highest among the groups gnomAD compares: South Asian, 0.011%; no homozygotes.

Submissions (4):

Ophthalmic Genetics Group, Institute of Molecular and Clinical Ophthalmology Basel
Classification: Pathogenic for Retinal dystrophy. Last evaluated: 2024-05-27. Review status: criteria provided, single submitter. Criteria: ACMG Guidelines, 2015. Collection method: research. Allele origin: germline. Affected: yes. Observed: 2 variant alleles.
Comment: This variant was classified as Pathogenic based on ACMG criteria: PVS1_very strong, PS4_mod and PM2_mod

Centre for Genomic Medicine, Manchester, Central Manchester University Hospitals
Classification: Pathogenic for Retinal dystrophy. Last evaluated: 2015-01-30. Review status: no assertion criteria provided. Collection method: clinical testing. Allele origin: germline. Affected: yes. Not counted in ClinVar's aggregate classification.

NIHR Bioresource Rare Diseases, University of Cambridge
Classification: Pathogenic for Retinitis pigmentosa. Last evaluated: 2015-01-01. Review status: no assertion criteria provided. Collection method: research. Allele origin: unknown. Affected: yes. Observed: 1 variant allele. Not counted in ClinVar's aggregate classification.

OMIM
Classification: Pathogenic for RETINITIS PIGMENTOSA 41. Last evaluated: 2007-11-01. Review status: no assertion criteria provided. Collection method: literature only. Allele origin: germline. Not counted in ClinVar's aggregate classification.

Literature cited by the submitters: PubMed 28041643 (cited by Ophthalmic Genetics Group, Institute of Molecular and Clinical Ophthalmology Basel and NIHR Bioresource Rare Diseases, University of Cambridge); PubMed 17605048 (cited by 3 submitters); PubMed 40180963 (cited by Ophthalmic Genetics Group, Institute of Molecular and Clinical Ophthalmology Basel); PubMed 26872967 (cited by Centre for Genomic Medicine, Manchester, Central Manchester University Hospitals).

NM_006017.3(PROM1):c.1726C>T (p.Gln576Ter)

Gene: PROM1 (prominin 1; minus strand). Cytogenetic location: 4p15.32.
Variant type: single nucleotide variant.
Coding change: c.1726C>T on transcript NM_006017.3 (MANE Select); coding-DNA position 1726, C replaced by T.
Protein change: p.Gln576Ter; replaces glutamine 576 with a stop codon.
Molecular consequence: nonsense.
Genome position (GRCh38, 1-based): chr4:15,994,028, G>A on the plus strand (C>T on the coding strand, the complement: PROM1 is on the minus strand). VCF-style: chr4-15994028-G-A. GRCh37 (hg19) VCF-style: chr4-15995651-G-A.
Other names: NC_000004.11:g.15995651G>A; NP_006008.1:p.(Gln576Ter); c.1699C>T, p.Gln567Ter (NM_001145847.2, NM_001145848.2, NM_001145851.2 and 4 more transcripts); c.1726C>T, p.Gln576Ter (NM_001145849.2, NM_001145850.2); short protein forms Q576*, Q567*.
Identifiers: ClinVar variation 5609 (VCV000005609.4), dbSNP rs137853005, ClinGen allele CA253536.
Genomic context (GRCh38, chr4:15,994,028, plus strand): 5'-CATGACGAGTTCTAATTACCTCATTAATGTTGAGATGTTCACTGATATTGAAGCTGTTCT[G>A]CAGGTGAAGAGTGCCGTAAGTGCCTCTATTTTTTTTGCAGTCACTGTGGGAATGAACAGA-3'